The following is an entry in ClinVar:

NM_000498.3(CYP11B2):c.891G>A (p.Ala297=)

Genes: CYP11B2 (cytochrome P450 family 11 subfamily B member 2; minus strand), LOC106799834 (CYP11B2 recombination region; plus strand). Cytogenetic location: 8q24.3.
Variant type: single nucleotide variant.
Coding change: c.891G>A on transcript NM_000498.3 (MANE Select); coding-DNA position 891, G replaced by A.
Protein change: p.Ala297=; no amino-acid change (alanine 297 retained).
Molecular consequence: synonymous variant.
Genome position (GRCh38, 1-based): chr8:142,914,327, C>T on the plus strand (G>A on the coding strand, the complement: CYP11B2 is on the minus strand). VCF-style: chr8-142914327-C-T. GRCh37 (hg19) VCF-style: chr8-143995743-C-T.
Other names: p.Ala297=.
Identifiers: ClinVar variation 362206 (VCV000362206.20), dbSNP rs4543, ClinGen allele CA4906041.

ClinVar aggregate classification (germline): Benign/Likely benign. Review status: criteria provided, multiple submitters, no conflicts (2 of 4 stars). 10 submissions from 7 submitters: Benign (8); Likely benign (1). 1 of the submissions does not count toward it. Last evaluated 2026-02-02.

Conditions:
Glucocorticoid-remediable aldosteronism. Also called: Hyperaldosteronism, familial, type I; FH I; GLUCOCORTICOID-SUPPRESSIBLE HYPERALDOSTERONISM; ACTH-DEPENDENT HYPERALDOSTERONISM SYNDROME; ALDOSTERONISM, SENSITIVE TO DEXAMETHASONE. Identifiers: Orphanet 403, MedGen C3838731, MONDO:0007080, OMIM 103900.
Corticosterone methyloxidase type 2 deficiency. Also called: 18-OXIDASE DEFICIENCY; ALDOSTERONE DEFICIENCY DUE TO DEFICIENCY OF STEROID 18-OXIDASE; ALDOSTERONE DEFICIENCY II; CMO II DEFICIENCY; STEROID 18-OXIDASE DEFICIENCY. Identifiers: Orphanet 427, MedGen C3463917, MONDO:0012524, OMIM 610600. Disease mechanism: loss of function.
Corticosterone methyl oxidase type II deficiency.
Corticosterone 18-monooxygenase deficiency. Also called: ALDOSTERONE DEFICIENCY DUE TO DEFECT IN STEROID 18-HYDROXYLASE; ALDOSTERONE DEFICIENCY I; CMO I DEFICIENCY; STEROID 18-HYDROXYLASE DEFICIENCY; 18 Hydroxylase deficiency; Aldosterone deficiency due to defect in 18 hydroxylase. Identifiers: Orphanet 427, MedGen C0268293, MONDO:0008751, OMIM 203400. Disease mechanism: loss of function.

Allele frequency attached by ClinVar (database versions not stated): gnomAD exomes 0.08522 and 0.08572; ExAC 0.09030; 1000 Genomes Project 0.10343; 1000 Genomes Project 30x 0.11040; gnomAD 0.11718 and 0.12001; TOPMed 0.11941; ESP Exome Variant Server 0.13094.
gnomAD v4.1: 142,865 of 1,613,624 alleles (8.9%); highest among the groups gnomAD compares: African/African-American, 22%; 7,492 homozygotes.

Submissions (10):

Labcorp Genetics (formerly Invitae), Labcorp
Classification: Benign. Last evaluated: 2026-02-02. Review status: criteria provided, single submitter. Criteria: Invitae Variant Classification Sherloc (09022015). Collection method: clinical testing. Allele origin: germline.

Blueprint Genetics
Classification: Likely benign. Last evaluated: 2024-11-27. Review status: criteria provided, single submitter. Criteria: ACMG Guidelines, 2015. Collection method: clinical testing. Allele origin: germline.

Mayo Clinic Laboratories, Mayo Clinic
Classification: Benign. Last evaluated: 2022-03-09. Review status: criteria provided, single submitter. Criteria: ACMG Guidelines, 2015. Collection method: clinical testing. Allele origin: germline. Observed: 25 variant alleles.

Genome-Nilou Lab
Classification: Benign for Corticosterone 18-monooxygenase deficiency. Last evaluated: 2021-07-01. Review status: criteria provided, single submitter. Criteria: ACMG Guidelines, 2015. Collection method: clinical testing. Allele origin: germline. Affected: no.

Genome-Nilou Lab
Classification: Benign for Corticosterone methyloxidase type 2 deficiency. Last evaluated: 2021-07-01. Review status: criteria provided, single submitter. Criteria: ACMG Guidelines, 2015. Collection method: clinical testing. Allele origin: germline. Affected: no.

Illumina Laboratory Services, Illumina
Classification: Benign for Corticosterone 18-monooxygenase deficiency. Last evaluated: 2018-01-13. Review status: criteria provided, single submitter. Criteria: ICSL Variant Classification Criteria 13 December 2019. Collection method: clinical testing. Allele origin: germline.
Comment: This variant was observed in the ICSL laboratory as part of a predisposition screen in an ostensibly healthy population. It had not been previously curated by ICSL or reported in the Human Gene Mutation Database (HGMD: prior to June 1st, 2018), and was therefore a candidate for classification through an automated scoring system. Utilizing variant allele frequency, disease prevalence and penetrance estimates, and inheritance mode, an automated score was calculated to assess if this variant is too frequent to cause the disease. Based on the score and internal cut-off values, a variant classified as benign is not then subjected to further curation. The score for this variant resulted in a classification of benign for this disease.

Illumina Laboratory Services, Illumina
Classification: Benign for Hyperaldosteronism, familial, type I. Last evaluated: 2018-01-13. Review status: criteria provided, single submitter. Criteria: ICSL Variant Classification Criteria 13 December 2019. Collection method: clinical testing. Allele origin: germline.
Comment: the same text as in the submission from Illumina Laboratory Services, Illumina above.

Illumina Laboratory Services, Illumina
Classification: Benign for Corticosterone methyloxidase type 2 deficiency. Last evaluated: 2018-01-13. Review status: criteria provided, single submitter. Criteria: ICSL Variant Classification Criteria 13 December 2019. Collection method: clinical testing. Allele origin: germline.
Comment: the same text as in the submission from Illumina Laboratory Services, Illumina above.

Breakthrough Genomics
Classification: Benign. Review status: criteria provided, single submitter. Criteria: ACMG Guidelines, 2015. Collection method: not provided. Allele origin: germline. Inheritance: Autosomal recessive inheritance. Affected: yes.

Natera, Inc.
Classification: Benign for Corticosterone methyl oxidase type II deficiency. Last evaluated: 2019-11-21. Review status: no assertion criteria provided. Collection method: clinical testing. Allele origin: germline. Not counted in ClinVar's aggregate classification.